The following is an entry in ClinVar:

ClinVar aggregate classification (germline): Benign. Review status: criteria provided, multiple submitters, no conflicts (2 of 4 stars). 2 submissions from 2 submitters: Benign (2). Last evaluated 2018-06-14.

Allele frequency attached by ClinVar (database versions not stated): 1000 Genomes Project 30x 0.63616; 1000 Genomes Project 0.64058; TOPMed 0.69127; gnomAD 0.72476; gnomAD exomes 0.77408.
gnomAD v4.1: 707,060 of 927,148 alleles (76%); highest among the groups gnomAD compares: Non-Finnish European, 81%; 272,950 homozygotes.

Submissions (2):

GeneDx
Classification: Benign. Last evaluated: 2018-06-14. Review status: criteria provided, single submitter. Criteria: GeneDx Variant Classification (06012015). Collection method: clinical testing. Allele origin: germline. Affected: yes.
Comment: This variant is considered likely benign or benign based on one or more of the following criteria: it is a conservative change, it occurs at a poorly conserved position in the protein, it is predicted to be benign by multiple in silico algorithms, and/or has population frequency not consistent with disease.

Breakthrough Genomics
Classification: Benign. Review status: criteria provided, single submitter. Criteria: ACMG Guidelines, 2015. Collection method: not provided. Allele origin: germline. Inheritance: Autosomal dominant inheritance. Affected: yes.

NM_000393.5(COL5A2):c.2130+141T>G

Gene: COL5A2 (collagen type V alpha 2 chain; minus strand). Cytogenetic location: 2q32.2.
Variant type: single nucleotide variant.
Coding change: c.2130+141T>G on transcript NM_000393.5 (MANE Select); 141 bases into the intron after coding-DNA position 2130, T replaced by G.
Molecular consequence: intron variant.
Genome position (GRCh38, 1-based): chr2:189,058,708, A>C on the plus strand (T>G on the coding strand, the complement: COL5A2 is on the minus strand). VCF-style: chr2-189058708-A-C. GRCh37 (hg19) VCF-style: chr2-189923434-A-C.
Identifiers: ClinVar variation 672284 (VCV000672284.2), dbSNP rs12989558, ClinGen allele CA62600050.